The following is an entry in ClinVar:

ClinVar aggregate classification (germline): Uncertain significance (1 of 4 stars; one submission).

Conditions:
Kabuki syndrome. Also called: NIIKAWA-KUROKI SYNDROME; Kabuki make-up syndrome. Identifiers: Orphanet 2322, MedGen C0796004, MONDO:0016512.

Submission:

Labcorp Genetics (formerly Invitae), Labcorp
Classification: Uncertain significance for Kabuki syndrome. Last evaluated: 2026-01-04. Review status: criteria provided, single submitter. Criteria: Invitae Variant Classification Sherloc (09022015). Collection method: clinical testing. Allele origin: germline.
Comment: This sequence change replaces lysine, which is basic and polar, with asparagine, which is neutral and polar, at codon 3140 of the KMT2D protein (p.Lys3140Asn). This variant is not present in population databases (gnomAD no frequency). This variant has not been reported in the literature in individuals affected with KMT2D-related conditions. Invitae Evidence Modeling of protein sequence and biophysical properties (such as structural, functional, and spatial information, amino acid conservation, physicochemical variation, residue mobility, and thermodynamic stability) indicates that this missense variant is not expected to disrupt KMT2D protein function with a negative predictive value of 95%. In summary, the available evidence is currently insufficient to determine the role of this variant in disease. Therefore, it has been classified as a Variant of Uncertain Significance.

NM_003482.4(KMT2D):c.9420G>C (p.Lys3140Asn)

Gene: KMT2D (lysine methyltransferase 2D; minus strand). Cytogenetic location: 12q13.12.
Variant type: single nucleotide variant.
Coding change: c.9420G>C on transcript NM_003482.4 (MANE Select); coding-DNA position 9420, G replaced by C.
Protein change: p.Lys3140Asn; replaces lysine 3140 with asparagine.
Molecular consequence: missense variant.
Genome position (GRCh38, 1-based): chr12:49,037,936, C>G on the plus strand (G>C on the coding strand, the complement: KMT2D is on the minus strand). VCF-style: chr12-49037936-C-G. GRCh37 (hg19) VCF-style: chr12-49431719-C-G.
Other names: short protein forms K3140N.
Identifiers: ClinVar variation 4801222 (VCV004801222.1).